The following is an entry in ClinVar:

ClinVar aggregate classification (germline): Pathogenic/Likely pathogenic. Review status: criteria provided, multiple submitters, no conflicts (2 of 4 stars). 4 submissions from 4 submitters: Pathogenic (2); Likely pathogenic (1). 1 of the submissions does not count toward it. Last evaluated 2026-09-08.

Conditions:
Fabry disease. Also called: Ceramide trihexosidosis; Fabry's disease; CERAMIDE TRIHEXOSIDASE DEFICIENCY; GLA DEFICIENCY; HEREDITARY DYSTOPIC LIPIDOSIS; ALPHA-GALACTOSIDASE A DEFICIENCY. Identifiers: Orphanet 324, MedGen C0002986, MONDO:0010526, OMIM 301500, HP:0001071. Disease mechanism: Fabry disease is due to inactivating mutations in the X-linked GLA gene resulting in deficiency of the enzyme Alpha Galactosidase-A., loss of function.

Submissions (4):

Genomenon, Inc
Classification: Pathogenic for Fabry disease. Last evaluated: 2026-09-08. Review status: criteria provided, single submitter. Criteria: Genomenon Sequence Variant Interpretation Standards - Updated. Collection method: curation. Allele origin: germline. Affected: yes.
Comment: GLA p.Asn272Ser (c.815A>G) is a missense variant that changes the amino acid at codon 272 from Asparagine to Serine. This variant has been observed in at least one proband with clinical features consistent with Fabry disease (PMID:34356073;15162124;20022777;26083343;15818441). The variant was found to segregate with disease in at least one affected family (PMID:15162124). At least one functional study has demonstrated a substantial alteration in protein function relative to the wild-type (PMID:32023956;27657681). It is absent or not present at a significant frequency in gnomAD. In silico models predict that this variant is possibly or probably damaging. In conclusion, we classify GLA p.Asn272Ser (c.815A>G) as a pathogenic variant.

Fulgent Genetics
Classification: Likely pathogenic for Fabry disease. Last evaluated: 2021-07-15. Review status: criteria provided, single submitter. Criteria: ACMG Guidelines, 2015. Collection method: clinical testing. Allele origin: unknown.

Centre for Mendelian Genomics, University Medical Centre Ljubljana
Classification: Pathogenic for Fabry disease. Last evaluated: 2019-07-01. Review status: criteria provided, single submitter. Criteria: ACMG Guidelines, 2015. Collection method: clinical testing. Allele origin: unknown. Affected: yes.
Comment: This variant was classified as: Pathogenic. The following ACMG criteria were applied in classifying this variant: PS1,PM1,PM2,PP2,PP3.

OMIM
Classification: Pathogenic for FABRY DISEASE. Last evaluated: 2004-08-01. Review status: no assertion criteria provided. Collection method: literature only. Allele origin: germline. Not counted in ClinVar's aggregate classification.

Literature cited by the submitters: PubMed 34356073 (cited by Genomenon, Inc); PubMed 15162124 (cited by Genomenon, Inc and OMIM); PubMed 20022777 (cited by Genomenon, Inc); PubMed 26083343 (cited by Genomenon, Inc); PubMed 15818441 (cited by Genomenon, Inc); PubMed 32023956 (cited by Genomenon, Inc); PubMed 27657681 (cited by Genomenon, Inc).

NM_000169.3(GLA):c.815A>G (p.Asn272Ser)

Genes: GLA (galactosidase alpha; minus strand), RPL36A-HNRNPH2 (RPL36A-HNRNPH2 readthrough; plus strand). Cytogenetic location: Xq22.1.
Variant type: single nucleotide variant.
Coding change: c.815A>G on transcript NM_000169.3 (MANE Select); coding-DNA position 815, A replaced by G.
Protein change: p.Asn272Ser; replaces asparagine 272 with serine.
Molecular consequence: missense variant. On other transcripts: non-coding transcript variant (3), intron variant (2).
Genome position (GRCh38, 1-based): chrX:101,398,554, T>C on the plus strand (A>G on the coding strand, the complement: GLA is on the minus strand). VCF-style: chrX-101398554-T-C. GRCh37 (hg19) VCF-style: chrX-100653542-T-C.
Other names: c.938A>G, p.Asn313Ser (NM_001406747.1); c.815A>G, p.Asn272Ser (NM_001406748.1); c.300+3097T>C (NM_001199973.2); c.177+6732T>C (NM_001199974.2); short protein forms N272S, N313S.
Identifiers: ClinVar variation 10774 (VCV000010774.7), dbSNP rs28935495, ClinGen allele CA022099.
Genomic context (GRCh38, chrX:101,398,554, plus strand): 5'-GCAGCCATGATAGCCCAGAGGGCCATCTGAGTTACTTGCTGATTCCAGCTGAGGCCAAAG[T>C]TGCCAATCACTAACTGAGAAAAAGAATGAAATAATTCAAACAAGAGAGGAGGAAACATTC-3'
Protein context (NP_000160.1, residues 262-282): WNDPDMLVIG[Asn272Ser]FGLSWNQQVT